The following is an entry in ClinVar:

ClinVar aggregate classification (germline): Likely benign. Review status: reviewed by expert panel (3 of 4 stars). 9 submissions from 9 submitters: Likely benign (1). 8 of the submissions do not count toward it. Last evaluated 2024-04-23.

Conditions:
Global developmental delay - lung cysts - overgrowth - Wilms tumor syndrome. Also called: GLOBAL DEVELOPMENTAL DELAY, LUNG CYSTS, OVERGROWTH, AND WILMS TUMOR; GLOW Syndrome. Identifiers: Orphanet 404476, MedGen C4748924, MONDO:0018445, OMIM 618272.
DICER1-related tumor predisposition. Also called: DICER1 syndrome; DICER1-related pleuropulmonary blastoma cancer predisposition syndrome. Identifiers: Orphanet 284343, MedGen C3839822, MONDO:0100216.
Euthyroid goiter (MNG1). Also called: Goiter, multinodular 1, with or without Sertoli-Leydig cell tumors; GOITER, NONTOXIC, WITH INTRATHYROIDAL CALCIFICATION; MULTINODULAR GOITER, ADOLESCENT; SIMPLE GOITER. Identifiers: Orphanet 276399, MedGen C0302859, MONDO:0007681, OMIM 138800, HP:0009798.
Rhabdomyosarcoma, embryonal, 2 (RMSE2). Identifiers: MedGen C1867234, MONDO:0859046, OMIM 180295.
Pleuropulmonary blastoma (PPB). Identifiers: Orphanet 64742, MedGen C1266144, MONDO:0011014, OMIM 601200, HP:0100528.
Hereditary cancer-predisposing syndrome. Also called: Tumor predisposition; Hereditary Cancer Syndrome; Neoplastic Syndromes, Hereditary; Hereditary neoplastic syndrome. Identifiers: Orphanet 140162, MedGen C0027672, MeSH D009386, MONDO:0015356.

Allele frequency attached by ClinVar (database versions not stated): gnomAD 0.00001; TOPMed 0.00001; gnomAD exomes 0.00002.
gnomAD v4.1: 25 of 1,613,198 alleles (0.0015%); highest among the groups gnomAD compares: Admixed American, 0.0067%; no homozygotes.

Submissions (9):

ClinGen DICER1 and miRNA-Processing Gene Variant Curation Expert Panel, ClinGen
Classification: Likely benign for DICER1-related tumor predisposition. Last evaluated: 2024-04-23. Review status: reviewed by expert panel. Criteria: ClinGen DICER1 ACMG Specifications DICER1 V1.3.0. Collection method: curation. Allele origin: germline. Inheritance: Autosomal dominant inheritance.
Comment: The NM_177438.2:c.925G>A variant in DICER1 is a missense variant predicted to cause substitution of valine by isoleucine at amino acid 309 (p.Val309Ile). This variant has been seen in 10 or more unrelated females without tumors through age 50 in at least one testing laboratory (BS2_Supporting; Internal lab contributor). The total allele frequency in gnomAD v4.1.0 is 0.00001550 (25/1613198 alleles) with a highest population minor allele frequency of 0.00006669 (4/59980 alleles) in the Admixed American population (PM2_Supporting, BS1, and BA1 are not met). In silico tools predict no damaging impact of the variant on protein function (REVEL: 0.189; MaxEntScan and SpliceAI: no effect on splicing) (BP4). In summary, this variant meets the criteria to be classified as Likely Benign for DICER1-related tumor predisposition based on the ACMG/AMP criteria applied, as specified by the ClinGen DICER1 VCEP: BS2_supporting, BP4. (Bayesian Points: -2; VCEP specifications version 1.3.0; 04/23/2024)

Labcorp Genetics (formerly Invitae), Labcorp
Classification: Likely benign for DICER1-related tumor predisposition. Last evaluated: 2025-11-30. Review status: criteria provided, single submitter. Criteria: Invitae Variant Classification Sherloc (09022015). Collection method: clinical testing. Allele origin: germline. Not counted in ClinVar's aggregate classification.

St. Jude Molecular Pathology, St. Jude Children's Research Hospital
Classification: Likely benign for Pleuropulmonary blastoma. Last evaluated: 2025-06-23. Review status: criteria provided, single submitter. Criteria: St. Jude Assertion Criteria 2020. Collection method: clinical testing. Allele origin: germline. Affected: no. Not counted in ClinVar's aggregate classification.
Comment: The DICER1 c.925G>A p.(Val309Ile) missense change has a maximum subpopulation frequency of 0.01% in gnomAD v2.1.1. The in silico tool REVEL predicts a benign effect on protein function and no splicing effects are predicted, but to our knowledge these predictions have not been confirmed by functional studies. To our knowledge, this variant has not been reported in individuals with DICER1-associated tumors. This variant has been seen in 10 or more unrelated females without tumors through age 50 in at least one testing laboratory. In summary, this variant meets criteria to be classified as likely benign.

Ambry Genetics
Classification: Uncertain significance for Hereditary cancer-predisposing syndrome. Last evaluated: 2025-06-02. Review status: criteria provided, single submitter. Criteria: Ambry Variant Classification Scheme 2023. Collection method: clinical testing. Allele origin: germline. Not counted in ClinVar's aggregate classification.
Comment: The p.V309I variant (also known as c.925G>A), located in coding exon 7 of the DICER1 gene, results from a G to A substitution at nucleotide position 925. The valine at codon 309 is replaced by isoleucine, an amino acid with highly similar properties. This amino acid position is highly conserved in available vertebrate species. In addition, this alteration is predicted to be tolerated by in silico analysis. Since supporting evidence is limited at this time, the clinical significance of this alteration remains unclear.

Quest Diagnostics Nichols Institute San Juan Capistrano
Classification: Uncertain significance. Last evaluated: 2025-01-09. Review status: criteria provided, single submitter. Criteria: Quest Diagnostics criteria. Collection method: clinical testing. Allele origin: unknown. Not counted in ClinVar's aggregate classification.
Comment: The DICER1 c.925G>A (p.Val309Ile) variant has not been reported as a germline variant in individuals with DICER1-related conditions in the published literature. The frequency of this variant in the general population (Genome Aggregation Database) is uninformative in the assessment of its pathogenicity. Analysis of this variant using bioinformatics tools for the prediction of the effect of amino acid changes on protein structure and function yielded conflicting predictions that this variant is deleterious or benign. Based on the available information, we are unable to determine the clinical significance of this variant.

Fulgent Genetics
Classification: Uncertain significance for Euthyroid goiter; Rhabdomyosarcoma, embryonal, 2; Pleuropulmonary blastoma; Global developmental delay - lung cysts - overgrowth - Wilms tumor syndrome. Last evaluated: 2024-05-23. Review status: criteria provided, single submitter. Criteria: ACMG Guidelines, 2015. Collection method: clinical testing. Allele origin: germline. Not counted in ClinVar's aggregate classification.

Blueprint Genetics
Classification: Uncertain significance. Last evaluated: 2024-02-20. Review status: criteria provided, single submitter. Criteria: ACMG Guidelines, 2015. Collection method: clinical testing. Allele origin: germline. Not counted in ClinVar's aggregate classification.

Baylor Genetics
Classification: Uncertain significance for Global developmental delay - lung cysts - overgrowth - Wilms tumor syndrome. Last evaluated: 2023-12-19. Review status: criteria provided, single submitter. Criteria: ACMG Guidelines, 2015. Collection method: clinical testing. Allele origin: unknown. Not counted in ClinVar's aggregate classification.

Sema4
Classification: Uncertain significance for Hereditary cancer-predisposing syndrome. Last evaluated: 2022-02-05. Review status: criteria provided, single submitter. Criteria: Sema4 Curation Guidelines. Collection method: curation. Allele origin: germline. Not counted in ClinVar's aggregate classification.
Comment: The DICER1 c.925G>A(p.V309I) variant has not been reported in the literature to our knowledge. This variant was observed in 4/34458 chromosomes in the Latino population according to the Genome Aggregation Database (PMID: 32461654). The variant has been reported in ClinVar (Variation ID: 477295). Functional studies have not been performed, and in silico predictions of the variant's effect on protein function are inconclusive. The evidence is insufficient to meet ACMG/AMP criteria for classifying the variant as benign or pathogenic. Thus, the clinical significance of this variant is currently uncertain.

Literature cited by the submitters: PubMed 31417090 (cited by Quest Diagnostics Nichols Institute San Juan Capistrano).

NM_177438.3(DICER1):c.925G>A (p.Val309Ile)

Gene: DICER1 (dicer 1, ribonuclease III; minus strand). Cytogenetic location: 14q32.13.
Variant type: single nucleotide variant.
Coding change: c.925G>A on transcript NM_177438.3 (MANE Select); coding-DNA position 925, G replaced by A.
Protein change: p.Val309Ile; replaces valine 309 with isoleucine.
Molecular consequence: missense variant.
Genome position (GRCh38, 1-based): chr14:95,124,647, C>T on the plus strand (G>A on the coding strand, the complement: DICER1 is on the minus strand). VCF-style: chr14-95124647-C-T. GRCh37 (hg19) VCF-style: chr14-95590984-C-T.
Other names: NM_177438.3(DICER1):c.925G>A; p.Val309Ile; c.925G>A, p.Val309Ile (NM_001195573.1, NM_001271282.3, NM_001291628.2 and 1 more transcripts); short protein forms V309I.
Identifiers: ClinVar variation 477295 (VCV000477295.25), dbSNP rs1181141404, ClinGen allele CA390887361.